The following is an entry in ClinVar:

NM_015570.4(AUTS2):c.583_584insT (p.Lys195fs)

Gene: AUTS2 (activator of transcription and developmental regulator AUTS2; plus strand). Cytogenetic location: 7q11.22.
Variant type: Insertion.
Coding change: c.583_584insT on transcript NM_015570.4 (MANE Select); coding-DNA positions 583 to 584, T inserted.
Protein change: p.Lys195fs; shifts the reading frame from lysine 195.
Molecular consequence: frameshift variant.
Genome position: GRCh38 VCF-style: chr7-70118192-A-AT. GRCh37 (hg19) VCF-style: chr7-69583178-A-AT.
Other names: c.583_584insT, p.Lys195fs (NM_001127231.3, NM_001127232.3); short protein forms K195fs.
Identifiers: ClinVar variation 4884261 (VCV004884261.2).

ClinVar aggregate classification (germline): Likely pathogenic (1 of 4 stars; one submission).

Conditions:
Autism spectrum disorder due to AUTS2 deficiency (MRD26). Also called: INTELLECTUAL DEVELOPMENTAL DISORDER, AUTOSOMAL DOMINANT 26. Identifiers: Orphanet 352490, MedGen C4014435, MONDO:0014361, OMIM 615834.

Submission:

Dasa
Classification: Likely pathogenic for Autism spectrum disorder due to AUTS2 deficiency. Last evaluated: 2025-03-10. Review status: criteria provided, single submitter. Criteria: DASA Assertion Criteria. Collection method: clinical testing. Allele origin: germline.
Comment: NM_015570.4(AUTS2):c.583_584insT (p.Lys195Ilefs*14) is a frameshift variant in AUTS2 predicted to alter the reading frame and introduce a premature termination codon and is predicted to result in an absent or altered protein product. Loss of function is an established disease mechanism for AUTS2 (PMID: 22872102; PMID: 23332918; PMID: 23650183). Also, this variant is absent from population databases. Based on the currently available evidence, this variant is classified as likely pathogenic.

Literature cited by the submitters: PubMed 22872102; PubMed 23332918; PubMed 23650183.